The following is an entry in ClinVar:

NM_001903.5(CTNNA1):c.2529C>T (p.Tyr843=)

Gene: CTNNA1 (catenin alpha 1; plus strand). Cytogenetic location: 5q31.2.
Variant type: single nucleotide variant.
Coding change: c.2529C>T on transcript NM_001903.5 (MANE Select); coding-DNA position 2529, C replaced by T.
Protein change: p.Tyr843=; no amino-acid change (tyrosine 843 retained).
Molecular consequence: synonymous variant. On other transcripts: 3 prime UTR variant (5).
Genome position (GRCh38, 1-based): chr5:138,933,897, C>T. VCF-style: chr5-138933897-C-T. GRCh37 (hg19) VCF-style: chr5-138269586-C-T.
Other names: c.2160C>T, p.Tyr720= (NM_001290310.3); c.1419C>T, p.Tyr473= (NM_001290312.1, NM_001323987.1, NM_001323988.1 and 12 more transcripts); c.2529C>T, p.Tyr843= (NM_001323982.2, NM_001323983.1, NM_001323984.2); c.2502C>T, p.Tyr834= (NM_001323985.2); c.2436C>T, p.Tyr812= (NM_001323986.2); c.1284C>T, p.Tyr428= (NM_001324001.1); c.*74C>T (NM_001324002.1, NM_001324003.1, NM_001324004.1 and 2 more transcripts); c.1080C>T, p.Tyr360= (NM_001324006.1, NM_001324007.1, NM_001324008.1 and 2 more transcripts); and 4 more.
Identifiers: ClinVar variation 794825 (VCV000794825.12), dbSNP rs370673472, ClinGen allele CA3432263.

ClinVar aggregate classification (germline): Benign/Likely benign. Review status: criteria provided, multiple submitters, no conflicts (2 of 4 stars). 3 submissions from 3 submitters: Benign (1); Likely benign (2). Last evaluated 2026-01-26.

Conditions:
Hereditary cancer-predisposing syndrome. Also called: Neoplastic Syndromes, Hereditary; Hereditary Cancer Syndrome; Tumor predisposition; Hereditary neoplastic syndrome. Identifiers: Orphanet 140162, MedGen C0027672, MeSH D009386, MONDO:0015356.
Hereditary diffuse gastric adenocarcinoma (HDGC). Also called: DIFFUSE GASTRIC AND LOBULAR BREAST CANCER SYNDROME. Identifiers: Orphanet 26106, MedGen C1708349, MONDO:0007648, OMIM 137215.

Allele frequency attached by ClinVar (database versions not stated): gnomAD exomes below 0.00001; ExAC 0.00001; gnomAD 0.00001; TOPMed 0.00001; ESP Exome Variant Server 0.00008.
gnomAD v4.1: 3 of 1,614,032 alleles (0.00019%); highest among the groups gnomAD compares: African/African-American, 0.0013%; no homozygotes.

Submissions (3):

Labcorp Genetics (formerly Invitae), Labcorp
Classification: Likely benign. Last evaluated: 2026-01-26. Review status: criteria provided, single submitter. Criteria: Invitae Variant Classification Sherloc (09022015). Collection method: clinical testing. Allele origin: germline.

Myriad Genetics, Inc.
Classification: Benign for Hereditary diffuse gastric adenocarcinoma. Last evaluated: 2024-10-15. Review status: criteria provided, single submitter. Criteria: Myriad Autosomal Dominant, Autosomal Recessive and X-Linked Classification Criteria (2023). Collection method: clinical testing. Allele origin: unknown.
Comment: This variant is considered benign. This variant is a silent/synonymous amino acid change and it is not expected to impact splicing.

Ambry Genetics
Classification: Likely benign for Hereditary cancer-predisposing syndrome. Last evaluated: 2024-07-09. Review status: criteria provided, single submitter. Criteria: Ambry Variant Classification Scheme 2023. Collection method: clinical testing. Allele origin: germline.